The following is an entry in ClinVar:

ClinVar aggregate classification (germline): Uncertain significance (1 of 4 stars; one submission).

Submission:

Labcorp Genetics (formerly Invitae), Labcorp
Classification: Uncertain significance. Last evaluated: 2022-05-07. Review status: criteria provided, single submitter. Criteria: Invitae Variant Classification Sherloc (09022015). Collection method: clinical testing. Allele origin: germline.
Comment: In summary, the available evidence is currently insufficient to determine the role of this variant in disease. Therefore, it has been classified as a Variant of Uncertain Significance. Experimental studies and prediction algorithms are not available or were not evaluated, and the functional significance of this variant is currently unknown. This variant has not been reported in the literature in individuals affected with COL18A1-related conditions. This variant is not present in population databases (gnomAD no frequency). This sequence change replaces lysine, which is basic and polar, with threonine, which is neutral and polar, at codon 1336 of the COL18A1 protein (p.Lys1336Thr).

NM_001379500.1(COL18A1):c.4016A>C (p.Lys1339Thr)

Genes: COL18A1 (collagen type XVIII alpha 1 chain; plus strand), SLC19A1 (solute carrier family 19 member 1; minus strand). Cytogenetic location: 21q22.3.
Variant type: single nucleotide variant.
Coding change: c.4016A>C on transcript NM_001379500.1 (MANE Select); coding-DNA position 4016, A replaced by C.
Protein change: p.Lys1339Thr; replaces lysine 1339 with threonine.
Molecular consequence: missense variant.
Genome position (GRCh38, 1-based): chr21:45,512,394, A>C. VCF-style: chr21-45512394-A-C. GRCh37 (hg19) VCF-style: chr21-46932308-A-C.
Other names: c.4547A>C, p.Lys1516Thr (NM_030582.4); c.5252A>C, p.Lys1751Thr (NM_130444.3); short protein forms K1339T, K1516T, K1751T.
Identifiers: ClinVar variation 2135091 (VCV002135091.4), dbSNP rs1479716288, ClinGen allele CA410502521.